The following is an entry in ClinVar:

NM_006016.6(CD164):c.112C>G (p.Pro38Ala)

Gene: CD164 (CD164 molecule; minus strand). Cytogenetic location: 6q21.
Variant type: single nucleotide variant.
Coding change: c.112C>G on transcript NM_006016.6 (MANE Select); coding-DNA position 112, C replaced by G.
Protein change: p.Pro38Ala; replaces proline 38 with alanine.
Molecular consequence: missense variant.
Genome position (GRCh38, 1-based): chr6:109,382,267, G>C on the plus strand (C>G on the coding strand, the complement: CD164 is on the minus strand). VCF-style: chr6-109382267-G-C. GRCh37 (hg19) VCF-style: chr6-109703470-G-C.
Other names: c.112C>G (NM_006016.4); c.112C>G, p.Pro38Ala (NM_001142401.3, NM_001142402.3, NM_001142403.3 and 1 more transcripts); short protein forms P38A.
Identifiers: ClinVar variation 1968420 (VCV001968420.7), dbSNP rs2482474697, ClinGen allele CA365200458.

ClinVar aggregate classification (germline): Uncertain significance. Review status: criteria provided, multiple submitters, no conflicts (2 of 4 stars). 2 submissions from 2 submitters: Uncertain significance (2). Last evaluated 2023-06-01.

Submissions (2):

Ambry Genetics
Classification: Uncertain significance. Last evaluated: 2023-06-01. Review status: criteria provided, single submitter. Criteria: Ambry Variant Classification Scheme 2023. Collection method: clinical testing. Allele origin: germline.

Labcorp Genetics (formerly Invitae), Labcorp
Classification: Uncertain significance. Last evaluated: 2022-05-25. Review status: criteria provided, single submitter. Criteria: Invitae Variant Classification Sherloc (09022015). Collection method: clinical testing. Allele origin: germline.
Comment: In summary, the available evidence is currently insufficient to determine the role of this variant in disease. Therefore, it has been classified as a Variant of Uncertain Significance. Algorithms developed to predict the effect of missense changes on protein structure and function are either unavailable or do not agree on the potential impact of this missense change (SIFT: "Tolerated"; PolyPhen-2: "Probably Damaging"; Align-GVGD: "Class C0"). This variant has not been reported in the literature in individuals affected with CD164-related conditions. This variant is not present in population databases (gnomAD no frequency). This sequence change replaces proline, which is neutral and non-polar, with alanine, which is neutral and non-polar, at codon 38 of the CD164 protein (p.Pro38Ala).